The following is an entry in ClinVar:

ClinVar aggregate classification (germline): Conflicting classifications of pathogenicity. Review status: criteria provided, conflicting classifications (1 of 4 stars). 2 submissions from 2 submitters: Likely pathogenic (1); Uncertain significance (1). Last evaluated 2022-03-31.

Conditions:
Peripheral neuropathy, autosomal recessive, with or without impaired intellectual development. Identifiers: MedGen C4748283, MONDO:0029131, OMIM 618124.

Allele frequency attached by ClinVar (database versions not stated): TOPMed 0.00001.
gnomAD v4.1: 15 of 1,613,980 alleles (0.00093%); highest among the groups gnomAD compares: Non-Finnish European, 0.0013%; no homozygotes.

Submissions (2):

Victorian Clinical Genetics Services, Murdoch Childrens Research Institute
Classification: Likely pathogenic for Peripheral neuropathy, autosomal recessive, with or without impaired intellectual development. Last evaluated: 2022-03-31. Review status: criteria provided, single submitter. Criteria: ACMG Guidelines, 2015. Collection method: clinical testing. Allele origin: germline. Inheritance: Autosomal recessive inheritance. Affected: yes.
Comment: Based on the classification scheme VCGS_Germline_v1.3.3, this variant is classified as Likely Pathogenic. Following criteria are met: 0102 - Loss of function is a known mechanism of disease in this gene and is associated with peripheral neuropathy, with or without impaired intellectual development (MIM#618124). (I) 0106 - This gene is associated with autosomal recessive disease. (I) 0200 - Variant is predicted to result in a missense amino acid change from histidine to glutamine. (I) 0251 - This variant is heterozygous. (I) 0304 - Variant is present in gnomAD (v3) <0.01 for a recessive condition (1 heterozygote, 0 homozygotes). (SP) 0502 - Missense variant with conflicting in silico predictions, but high conservation. (I) 0600 - Variant is located in the annotated SAC3/GANP family domain (NCBI, PDB). (I) 0705 - No comparable missense variants have previous evidence for pathogenicity. (I) 0807 - This variant has no previous evidence of pathogenicity. (I) 0905 - No published segregation evidence has been identified for this variant. (I) 1007 - No published functional evidence has been identified for this variant. (I) 1102 - Strong phenotype match for this individual. (SP) 1201 - Heterozygous variant detected in trans with a second pathogenic heterozygous variant (NM_003906.4(MCM3AP):c.584delC; p.(Pro195Leufs*3)) in a recessive disease. (I) Legend: (SP) - Supporting pathogenic, (I) - Information, (SB) - Supporting benign

Labcorp Genetics (formerly Invitae), Labcorp
Classification: Uncertain significance. Last evaluated: 2022-01-12. Review status: criteria provided, single submitter. Criteria: Invitae Variant Classification Sherloc (09022015). Collection method: clinical testing. Allele origin: germline.
Comment: This sequence change replaces histidine, which is basic and polar, with glutamine, which is neutral and polar, at codon 760 of the MCM3AP protein (p.His760Gln). Algorithms developed to predict the effect of missense changes on protein structure and function are either unavailable or do not agree on the potential impact of this missense change (SIFT: "Deleterious"; PolyPhen-2: "Probably Damaging"; Align-GVGD: "Class C0"). This variant is not present in population databases (gnomAD no frequency). This missense change has been observed in individual(s) with clinical features of MCM3AP-related conditions (Invitae). In at least one individual the data is consistent with being in trans (on the opposite chromosome) from a pathogenic variant. Algorithms developed to predict the effect of sequence changes on RNA splicing suggest that this variant may create or strengthen a splice site. In summary, the available evidence is currently insufficient to determine the role of this variant in disease. Therefore, it has been classified as a Variant of Uncertain Significance.

NM_003906.5(MCM3AP):c.2280C>G (p.His760Gln)

Gene: MCM3AP (minichromosome maintenance complex component 3 associated protein; minus strand). Cytogenetic location: 21q22.3.
Variant type: single nucleotide variant.
Coding change: c.2280C>G on transcript NM_003906.5 (MANE Select); coding-DNA position 2280, C replaced by G.
Protein change: p.His760Gln; replaces histidine 760 with glutamine.
Molecular consequence: missense variant.
Genome position (GRCh38, 1-based): chr21:46,272,746, G>C on the plus strand (C>G on the coding strand, the complement: MCM3AP is on the minus strand). VCF-style: chr21-46272746-G-C. GRCh37 (hg19) VCF-style: chr21-47692660-G-C.
Other names: short protein forms H760Q.
Identifiers: ClinVar variation 1806139 (VCV001806139.5), dbSNP rs747225625, ClinGen allele CA321973138.
Genomic context (GRCh38, chr21:46,272,746, plus strand): 5'-GGTCATGTTCTCATTATTGATCTTGGCATCAAAGGAGGACATGGGCTCCTCACACATGAA[G>C]TGGGCACAGTGGATGTGAAACCGGGTGCACTTCTCAATCAGGGACACCGTCAGGGGGTCA-3'
Protein context (NP_003897.2, residues 750-770): KCTRFHIHCA[His760Gln]FMCEEPMSSF